The following is an entry in ClinVar:

NM_006269.2(RP1):c.4337A>G (p.Glu1446Gly)

Gene: RP1 (RP1 axonemal microtubule associated; plus strand). Cytogenetic location: 8q12.1.
Variant type: single nucleotide variant.
Coding change: c.4337A>G on transcript NM_006269.2 (MANE Select); coding-DNA position 4337, A replaced by G.
Protein change: p.Glu1446Gly; replaces glutamic acid 1446 with glycine.
Molecular consequence: missense variant. On other transcripts: intron variant (1).
Genome position (GRCh38, 1-based): chr8:54,628,219, A>G. VCF-style: chr8-54628219-A-G. GRCh37 (hg19) VCF-style: chr8-55540779-A-G.
Other names: c.787+5931A>G (NM_001375654.1); short protein forms E1446G.
Identifiers: ClinVar variation 2818023 (VCV002818023.3), dbSNP rs2536583943, ClinGen allele CA370981980.

ClinVar aggregate classification (germline): Uncertain significance (1 of 4 stars; one submission).

Submission:

Labcorp Genetics (formerly Invitae), Labcorp
Classification: Uncertain significance. Last evaluated: 2022-12-02. Review status: criteria provided, single submitter. Criteria: Invitae Variant Classification Sherloc (09022015). Collection method: clinical testing. Allele origin: germline.
Comment: In summary, the available evidence is currently insufficient to determine the role of this variant in disease. Therefore, it has been classified as a Variant of Uncertain Significance. Algorithms developed to predict the effect of missense changes on protein structure and function are either unavailable or do not agree on the potential impact of this missense change (SIFT: "Deleterious"; PolyPhen-2: "Possibly Damaging"; Align-GVGD: "Class C0"). This variant has not been reported in the literature in individuals affected with RP1-related conditions. This variant is not present in population databases (gnomAD no frequency). This sequence change replaces glutamic acid, which is acidic and polar, with glycine, which is neutral and non-polar, at codon 1446 of the RP1 protein (p.Glu1446Gly).